The following is an entry in ClinVar:

ClinVar aggregate classification (germline): Uncertain significance (1 of 4 stars; one submission).

Conditions:
Nephronophthisis. Also called: Juvenile Nephronophthisis. Identifiers: Orphanet 655, MedGen C0687120, MONDO:0019005, HP:0000090.

Submission:

Labcorp Genetics (formerly Invitae), Labcorp
Classification: Uncertain significance for Nephronophthisis. Last evaluated: 2025-07-03. Review status: criteria provided, single submitter. Criteria: Invitae Variant Classification Sherloc (09022015). Collection method: clinical testing. Allele origin: germline.
Comment: This sequence change replaces isoleucine, which is neutral and non-polar, with leucine, which is neutral and non-polar, at codon 339 of the IQCB1 protein (p.Ile339Leu). This variant is not present in population databases (gnomAD no frequency). This variant has not been reported in the literature in individuals affected with IQCB1-related conditions. Invitae Evidence Modeling of protein sequence and biophysical properties (such as structural, functional, and spatial information, amino acid conservation, physicochemical variation, residue mobility, and thermodynamic stability) indicates that this missense variant is not expected to disrupt IQCB1 protein function with a negative predictive value of 80%. In summary, the available evidence is currently insufficient to determine the role of this variant in disease. Therefore, it has been classified as a Variant of Uncertain Significance.

NM_001023570.4(IQCB1):c.1015A>C (p.Ile339Leu)

Gene: IQCB1 (IQ motif containing B1; minus strand). Cytogenetic location: 3q13.33.
Variant type: single nucleotide variant.
Coding change: c.1015A>C on transcript NM_001023570.4 (MANE Select); coding-DNA position 1015, A replaced by C.
Protein change: p.Ile339Leu; replaces isoleucine 339 with leucine.
Molecular consequence: missense variant. On other transcripts: non-coding transcript variant (1).
Genome position (GRCh38, 1-based): chr3:121,790,187, T>G on the plus strand (A>C on the coding strand, the complement: IQCB1 is on the minus strand). VCF-style: chr3-121790187-T-G. GRCh37 (hg19) VCF-style: chr3-121509034-T-G.
Other names: c.616A>C, p.Ile206Leu (NM_001023571.4); c.1015A>C, p.Ile339Leu (NM_001319107.2); short protein forms I206L, I339L.
Identifiers: ClinVar variation 4701099 (VCV004701099.1).
Genomic context (GRCh38, chr3:121,790,187, plus strand): 5'-CTCTCTGTCTTTGAAGTTGCAATTGTAATTTGAGGTCCTCTTCTTCCTTCTGCCTATTTA[T>G]CTCCAGCAACATCTTTGATCGTTTGGATCTGTGATGGAAACAGTGTGTTATACATAATTT-3'
Protein context (NP_001018864.2, residues 329-349): RSKRSKMLLE[Ile339Leu]NRQKEEEDLK